The following is an entry in ClinVar:

ClinVar aggregate classification (germline): Pathogenic (1 of 4 stars; one submission).

Conditions:
Oligodontia-cancer predisposition syndrome. Also called: TOOTH AGENESIS-COLORECTAL CANCER SYNDROME. Identifiers: Orphanet 300576, MedGen C1837750, MONDO:0012075, OMIM 608615. Disease mechanism: loss of function.

Submission:

Myriad Genetics, Inc.
Classification: Pathogenic for Oligodontia-cancer predisposition syndrome. Last evaluated: 2024-10-01. Review status: criteria provided, single submitter. Criteria: Myriad Autosomal Dominant, Autosomal Recessive and X-Linked Classification Criteria (2023). Collection method: clinical testing. Allele origin: unknown.
Comment: This variant is considered pathogenic. This variant creates a termination codon and is predicted to result in premature protein truncation.

NM_004655.4(AXIN2):c.389_390insTT (p.Val130_Ala131insTer)

Gene: AXIN2 (axin 2; minus strand). Cytogenetic location: 17q24.1.
Variant type: Insertion.
Coding change: c.389_390insTT on transcript NM_004655.4 (MANE Select); coding-DNA positions 389 to 390, TT inserted.
Protein change: p.Val130_Ala131insTer.
Molecular consequence: frameshift variant.
Genome position: GRCh38 VCF-style: chr17-65558231-T-TAA. GRCh37 (hg19) VCF-style: chr17-63554349-T-TAA.
Other names: c.389_390insTT, p.Val130_Ala131insTer (NM_001363813.1).
Identifiers: ClinVar variation 3773495 (VCV003773495.1).
Genomic context (GRCh38, chr17:65,558,231, plus strand): 5'-CTTCAGCTGCTTGGAGACAATGCTGTTGTTCTCAATGTACCTTTTGTAGATCGCTTTGGC[T>TAA]ACTCGTAAAGTTTTGGTATCCTTCAGGTTCATCTGCCTGAATCCATTGCAGGCAAACCAG-3'